The following is an entry in ClinVar:

NM_000321.3(RB1):c.618A>G (p.Leu206=)

Gene: RB1 (RB transcriptional corepressor 1; plus strand). Cytogenetic location: 13q14.2.
Variant type: single nucleotide variant.
Coding change: c.618A>G on transcript NM_000321.3 (MANE Select); coding-DNA position 618, A replaced by G.
Protein change: p.Leu206=; no amino-acid change (leucine 206 retained).
Molecular consequence: synonymous variant.
Genome position (GRCh38, 1-based): chr13:48,360,027, A>G. VCF-style: chr13-48360027-A-G. GRCh37 (hg19) VCF-style: chr13-48934163-A-G.
Identifiers: ClinVar variation 1629497 (VCV001629497.11), dbSNP rs1593443486, ClinGen allele CA483557652.

ClinVar aggregate classification (germline): Benign/Likely benign. Review status: criteria provided, multiple submitters, no conflicts (2 of 4 stars). 3 submissions from 3 submitters: Benign (1); Likely benign (2). Last evaluated 2026-06-23.

Conditions:
Hereditary cancer-predisposing syndrome. Also called: Neoplastic Syndromes, Hereditary; Tumor predisposition; Hereditary neoplastic syndrome; Hereditary Cancer Syndrome. Identifiers: Orphanet 140162, MedGen C0027672, MeSH D009386, MONDO:0015356.
Retinoblastoma (RB1). Also called: RETINOBLASTOMA, SOMATIC. Identifiers: Orphanet 790, MedGen C0035335, MeSH D012175, MONDO:0008380, OMIM 180200, HP:0009919. Disease mechanism: loss of function. Inheritance: Both sporadic and heritable forms are tested..

Allele frequency attached by ClinVar (database versions not stated): gnomAD exomes 0.00001.
gnomAD v4.1: 5 of 1,612,252 alleles (0.00031%); highest among the groups gnomAD compares: East Asian, 0.011%; no homozygotes.

Submissions (3):

Myriad Genetics, Inc.
Classification: Benign for Retinoblastoma. Last evaluated: 2026-06-23. Review status: criteria provided, single submitter. Criteria: Myriad Autosomal Dominant, Autosomal Recessive and X-Linked Classification Criteria (2023). Collection method: clinical testing. Allele origin: unknown.
Comment: This variant is considered benign. This variant is a silent/synonymous amino acid change and it is not expected to impact splicing.

Labcorp Genetics (formerly Invitae), Labcorp
Classification: Likely benign for Retinoblastoma. Last evaluated: 2024-09-14. Review status: criteria provided, single submitter. Criteria: Invitae Variant Classification Sherloc (09022015). Collection method: clinical testing. Allele origin: germline.

Ambry Genetics
Classification: Likely benign for Hereditary cancer-predisposing syndrome. Last evaluated: 2022-03-01. Review status: criteria provided, single submitter. Criteria: Ambry Variant Classification Scheme 2023. Collection method: clinical testing. Allele origin: germline.